The following is an entry in ClinVar:

NM_001394062.1(MACF1):c.2307G>C (p.Leu769=)

Gene: MACF1 (microtubule actin crosslinking factor 1; plus strand). Cytogenetic location: 1p34.3.
Variant type: single nucleotide variant.
Coding change: c.2307G>C on transcript NM_001394062.1 (MANE Select); coding-DNA position 2307, G replaced by C.
Protein change: p.Leu769=; no amino-acid change (leucine 769 retained).
Molecular consequence: synonymous variant.
Genome position (GRCh38, 1-based): chr1:39,295,834, G>C. VCF-style: chr1-39295834-G-C. GRCh37 (hg19) VCF-style: chr1-39761506-G-C.
Other names: c.2322G>C, p.Leu774= (NM_012090.5).
Identifiers: ClinVar variation 1607147 (VCV001607147.12), dbSNP rs116026083, ClinGen allele CA779673.

ClinVar aggregate classification (germline): Benign/Likely benign. Review status: criteria provided, multiple submitters, no conflicts (2 of 4 stars). 5 submissions from 5 submitters: Benign (2); Likely benign (2). 1 of the submissions does not count toward it. Last evaluated 2026-01-05.

Conditions:
MACF1-related disorder. Also called: MACF1-related condition.
Lissencephaly 9 with complex brainstem malformation. Identifiers: Orphanet 572013, MedGen C5193029, MONDO:0032677, OMIM 618325.

Allele frequency attached by ClinVar (database versions not stated): gnomAD exomes 0.00086 and 0.00252; gnomAD 0.00978 and 0.01027; 1000 Genomes Project 0.00998; 1000 Genomes Project 30x 0.00999; TOPMed 0.01038; ESP Exome Variant Server 0.01138; ExAC 0.00298.
gnomAD v4.1: 2,825 of 1,614,142 alleles (0.18%); highest among the groups gnomAD compares: African/African-American, 3.3%; 47 homozygotes.

Submissions (5):

Labcorp Genetics (formerly Invitae), Labcorp
Classification: Benign. Last evaluated: 2026-01-05. Review status: criteria provided, single submitter. Criteria: Invitae Variant Classification Sherloc (09022015). Collection method: clinical testing. Allele origin: germline.

Genome-Nilou Lab
Classification: Likely benign for Lissencephaly 9 with complex brainstem malformation. Last evaluated: 2023-04-11. Review status: criteria provided, single submitter. Criteria: ACMG Guidelines, 2015. Collection method: clinical testing. Allele origin: germline. Affected: no.

Fulgent Genetics
Classification: Likely benign for Lissencephaly 9 with complex brainstem malformation. Last evaluated: 2021-09-27. Review status: criteria provided, single submitter. Criteria: ACMG Guidelines, 2015. Collection method: clinical testing. Allele origin: unknown.

Breakthrough Genomics
Classification: Benign. Review status: criteria provided, single submitter. Criteria: ACMG Guidelines, 2015. Collection method: not provided. Allele origin: germline. Inheritance: Autosomal dominant inheritance. Affected: yes.

PreventionGenetics, part of Exact Sciences
Classification: Benign for MACF1-related condition. Last evaluated: 2024-03-21. Review status: no assertion criteria provided. Collection method: clinical testing. Allele origin: germline. Not counted in ClinVar's aggregate classification.
Comment: This variant is classified as benign based on ACMG/AMP sequence variant interpretation guidelines (Richards et al. 2015 PMID: 25741868, with internal and published modifications).